The following is an entry in ClinVar:

ClinVar aggregate classification (germline): Uncertain significance. Review status: criteria provided, multiple submitters, no conflicts (2 of 4 stars). 6 submissions from 6 submitters: Uncertain significance (6). Last evaluated 2024-09-06.

Conditions:
Hereditary cancer-predisposing syndrome. Also called: Neoplastic Syndromes, Hereditary; Hereditary Cancer Syndrome; Hereditary neoplastic syndrome; Tumor predisposition. Identifiers: Orphanet 140162, MedGen C0027672, MeSH D009386, MONDO:0015356.
Aplastic anemia. Identifiers: Orphanet 182040, Orphanet 88, MedGen C0002874, MONDO:0015909, OMIM 609135, HP:0001915.
Microcephaly, normal intelligence and immunodeficiency (NBS). Also called: Immunodeficiency, microcephaly with normal intelligence; SEEMANOVA SYNDROME II; Nijmegen breakage syndrome; Microcephaly with normal intelligence immunodeficiency and lymphoreticular malignancies; Nonsyndromal microcephaly autosomal recessive with normal intelligence; Seemanova syndrome 2. Identifiers: Orphanet 647, MedGen C0398791, MONDO:0009623, OMIM 251260.

Allele frequency attached by ClinVar (database versions not stated): gnomAD exomes below 0.00001 and 0.00007; gnomAD 0.00001; TOPMed 0.00001.
gnomAD v4.1: 94 of 1,588,374 alleles (0.0059%); highest among the groups gnomAD compares: Non-Finnish European, 0.008%; no homozygotes.

Submissions (6):

Labcorp Genetics (formerly Invitae), Labcorp
Classification: Uncertain significance for Microcephaly, normal intelligence and immunodeficiency. Last evaluated: 2024-09-06. Review status: criteria provided, single submitter. Criteria: Invitae Variant Classification Sherloc (09022015). Collection method: clinical testing. Allele origin: germline.
Comment: This sequence change replaces glutamic acid, which is acidic and polar, with glycine, which is neutral and non-polar, at codon 658 of the NBN protein (p.Glu658Gly). This variant is present in population databases (rs587782155, gnomAD 0.0009%). This missense change has been observed in individual(s) with ovarian cancer (PMID: 26315354). ClinVar contains an entry for this variant (Variation ID: 141979). An algorithm developed to predict the effect of missense changes on protein structure and function (PolyPhen-2) suggests that this variant is likely to be disruptive. In summary, the available evidence is currently insufficient to determine the role of this variant in disease. Therefore, it has been classified as a Variant of Uncertain Significance.

Baylor Genetics
Classification: Uncertain significance for Aplastic anemia. Last evaluated: 2024-02-19. Review status: criteria provided, single submitter. Criteria: ACMG Guidelines, 2015. Collection method: clinical testing. Allele origin: unknown.

GeneDx
Classification: Uncertain significance. Last evaluated: 2023-03-31. Review status: criteria provided, single submitter. Criteria: GeneDx Variant Classification Process June 2021. Collection method: clinical testing. Allele origin: germline. Affected: yes.
Comment: Not observed at significant frequency in large population cohorts (gnomAD); In silico analysis supports that this missense variant has a deleterious effect on protein structure/function; Observed in individuals with ovarian cancer (Ramus et al., 2015); This variant is associated with the following publications: (PMID: 24894818, 26315354)

Ambry Genetics
Classification: Uncertain significance for Hereditary cancer-predisposing syndrome. Last evaluated: 2023-03-14. Review status: criteria provided, single submitter. Criteria: Ambry Variant Classification Scheme 2023. Collection method: clinical testing. Allele origin: germline.
Comment: The p.E658G variant (also known as c.1973A>G), located in coding exon 13 of the NBN gene, results from an A to G substitution at nucleotide position 1973. The glutamic acid at codon 658 is replaced by glycine, an amino acid with similar properties. In one study, this alteration was observed in 1/3236 cases with invasive epithelial ovarian cancer and 0/3431 controls (Ramus SJ et al. J. Natl. Cancer Inst., 2015 Nov;107:). This amino acid position is highly conserved in available vertebrate species. In addition, the in silico prediction for this alteration is inconclusive. Since supporting evidence is limited at this time, the clinical significance of this alteration remains unclear.

Genome-Nilou Lab
Classification: Uncertain significance for Microcephaly, normal intelligence and immunodeficiency. Last evaluated: 2021-11-07. Review status: criteria provided, single submitter. Criteria: ACMG Guidelines, 2015. Collection method: clinical testing. Allele origin: germline. Affected: no.

Department of Pathology and Laboratory Medicine, Sinai Health System
Classification: Uncertain significance for Microcephaly, normal intelligence and immunodeficiency. Last evaluated: 2020-06-02. Review status: criteria provided, single submitter. Criteria: ACMG Guidelines, 2015. Collection method: clinical testing. Allele origin: germline. Affected: yes.

Literature cited by the submitters: PubMed 26315354 (cited by 3 submitters).

NM_002485.5(NBN):c.1973A>G (p.Glu658Gly)

Gene: NBN (nibrin; minus strand). Cytogenetic location: 8q21.3.
Variant type: single nucleotide variant.
Coding change: c.1973A>G on transcript NM_002485.5 (MANE Select); coding-DNA position 1973, A replaced by G.
Protein change: p.Glu658Gly; replaces glutamic acid 658 with glycine.
Molecular consequence: missense variant.
Genome position (GRCh38, 1-based): chr8:89,946,237, T>C on the plus strand (A>G on the coding strand, the complement: NBN is on the minus strand). VCF-style: chr8-89946237-T-C. GRCh37 (hg19) VCF-style: chr8-90958465-T-C.
Other names: c.1727A>G, p.Glu576Gly (NM_001024688.3); short protein forms E658G, E576G.
Identifiers: ClinVar variation 141979 (VCV000141979.24), dbSNP rs587782155, ClinGen allele CA167004.